The following is an entry in ClinVar:

ClinVar aggregate classification (germline): Conflicting classifications of pathogenicity. Review status: criteria provided, conflicting classifications (1 of 4 stars). 4 submissions from 4 submitters: Uncertain significance (2); Benign (1); Likely benign (1). Last evaluated 2025-12-14.

Conditions:
Hypogonadotropic hypogonadism 1 with or without anosmia (HH1). Also called: KAL1-Related GnRH Deficiency (Kallmann Syndrome 1; Kallmann Syndrome, X-Linked); Kallmann syndrome, type 1, X-linked; DYSPLASIA OLFACTOGENITALIS OF DE MORSIER; Hypogonadotropic hypogonadism 1 with or without anosmia (Kallmann syndrome 1); HYPOGONADOTROPIC HYPOGONADISM 1 WITH ANOSMIA; HYPOGONADOTROPIC HYPOGONADISM AND ANOSMIA. Identifiers: Orphanet 478, MedGen C1563719, MONDO:0010635, OMIM 308700. Disease mechanism: loss of function.

Allele frequency attached by ClinVar (database versions not stated): gnomAD 0.00019 and 0.00025; gnomAD exomes 0.00021 and 0.00087; TOPMed 0.00051; 1000 Genomes Project 30x 0.00062; ExAC 0.00078; 1000 Genomes Project 0.00079.
gnomAD v4.1: 266 of 1,210,346 alleles (0.022%); highest among the groups gnomAD compares: East Asian, 0.7%; no homozygotes.

Submissions (4):

Labcorp Genetics (formerly Invitae), Labcorp
Classification: Benign for Hypogonadotropic hypogonadism 1 with or without anosmia. Last evaluated: 2025-12-14. Review status: criteria provided, single submitter. Criteria: Invitae Variant Classification Sherloc (09022015). Collection method: clinical testing. Allele origin: germline.

CeGaT Center for Human Genetics Tuebingen
Classification: Likely benign. Last evaluated: 2024-09-01. Review status: criteria provided, single submitter. Criteria: CeGaT Center For Human Genetics Tuebingen Variant Classification Criteria Version 2. Collection method: clinical testing. Allele origin: germline. Affected: yes. Observed: 1 variant allele.
Comment: ANOS1: BP4, BS1

Mendelics
Classification: Uncertain significance for Hypogonadotropic hypogonadism 1 with or without anosmia. Last evaluated: 2019-05-28. Review status: criteria provided, single submitter. Criteria: Mendelics Assertion Criteria 2017. Collection method: clinical testing. Allele origin: unknown.

Soonchunhyang University Bucheon Hospital, Soonchunhyang University Medical Center
Classification: Uncertain significance for Hypogonadotropic hypogonadism 1 with or without anosmia. Last evaluated: 2016-03-18. Review status: criteria provided, single submitter. Criteria: ACMG Guidelines, 2015. Collection method: reference population. Allele origin: germline. Observed: 2 variant alleles.

Literature cited by the submitters: PubMed 23410897 (cited by Soonchunhyang University Bucheon Hospital, Soonchunhyang University Medical Center).

NM_000216.4(ANOS1):c.1678G>A (p.Val560Ile)

Gene: ANOS1 (anosmin 1; minus strand). Cytogenetic location: Xp22.31.
Variant type: single nucleotide variant.
Coding change: c.1678G>A on transcript NM_000216.4 (MANE Select); coding-DNA position 1678, G replaced by A.
Protein change: p.Val560Ile; replaces valine 560 with isoleucine.
Molecular consequence: missense variant.
Genome position (GRCh38, 1-based): chrX:8,535,755, C>T on the plus strand (G>A on the coding strand, the complement: ANOS1 is on the minus strand). VCF-style: chrX-8535755-C-T. GRCh37 (hg19) VCF-style: chrX-8503796-C-T.
Other names: short protein forms V560I.
Identifiers: ClinVar variation 225397 (VCV000225397.24), dbSNP rs2229013, ClinGen allele CA10343564.
Genomic context (GRCh38, chrX:8,535,755, plus strand): 5'-GATAGAGATTGGCCTTGGCCATCTTCCAAGAAAAGTGACCGGTGATGTTCACATCCTGGA[C>T]GATGAATGAAGCAGAAAGGTTCTCAGGCTTAGCTAGCACCTTAGAAAGAACATGACCTGC-3'
Protein context (NP_000207.2, residues 550-570): KPENLSASFI[Val560Ile]QDVNITGHFS